The following is an entry in ClinVar:

ClinVar aggregate classification (germline): Conflicting classifications of pathogenicity. Review status: criteria provided, conflicting classifications (1 of 4 stars). 2 submissions from 2 submitters: Uncertain significance (1); Likely benign (1). Last evaluated 2024-11-05.

Conditions:
Inborn genetic diseases. Identifiers: MedGen C0950123, MeSH D030342.

Allele frequency attached by ClinVar (database versions not stated): gnomAD 0.00001; TOPMed 0.00002; gnomAD exomes 0.00003; ExAC 0.00005.
gnomAD v4.1: 14 of 1,531,210 alleles (0.00091%); highest among the groups gnomAD compares: Admixed American, 0.03%; no homozygotes.

Submissions (2):

Labcorp Genetics (formerly Invitae), Labcorp
Classification: Uncertain significance. Last evaluated: 2024-11-05. Review status: criteria provided, single submitter. Criteria: Invitae Variant Classification Sherloc (09022015). Collection method: clinical testing. Allele origin: germline.
Comment: This sequence change replaces valine, which is neutral and non-polar, with isoleucine, which is neutral and non-polar, at codon 1512 of the CHD4 protein (p.Val1512Ile). This variant is present in population databases (rs775278280, gnomAD 0.05%), and has an allele count higher than expected for a pathogenic variant. This variant has not been reported in the literature in individuals affected with CHD4-related conditions. ClinVar contains an entry for this variant (Variation ID: 2697469). Invitae Evidence Modeling of protein sequence and biophysical properties (such as structural, functional, and spatial information, amino acid conservation, physicochemical variation, residue mobility, and thermodynamic stability) indicates that this missense variant is not expected to disrupt CHD4 protein function with a negative predictive value of 80%. In summary, the available evidence is currently insufficient to determine the role of this variant in disease. Therefore, it has been classified as a Variant of Uncertain Significance.

Ambry Genetics
Classification: Likely benign for Inborn genetic diseases. Last evaluated: 2024-08-01. Review status: criteria provided, single submitter. Criteria: Ambry Variant Classification Scheme 2023. Collection method: clinical testing. Allele origin: germline.

NM_001273.5(CHD4):c.4534G>A (p.Val1512Ile)

Genes: CHD4 (chromodomain helicase DNA binding protein 4; minus strand), CHD4-AS1 (CHD4 antisense RNA 1; plus strand). Cytogenetic location: 12p13.31.
Variant type: single nucleotide variant.
Coding change: c.4534G>A on transcript NM_001273.5 (MANE Select); coding-DNA position 4534, G replaced by A.
Protein change: p.Val1512Ile; replaces valine 1512 with isoleucine.
Molecular consequence: missense variant.
Genome position (GRCh38, 1-based): chr12:6,581,796, C>T on the plus strand (G>A on the coding strand, the complement: CHD4 is on the minus strand). VCF-style: chr12-6581796-C-T. GRCh37 (hg19) VCF-style: chr12-6690962-C-T.
Other names: c.4534G>A (NM_001273.2); c.4513G>A, p.Val1505Ile (NM_001297553.2); c.4495G>A, p.Val1499Ile (NM_001363606.2); short protein forms V1512I, V1499I, V1505I.
Identifiers: ClinVar variation 2697469 (VCV002697469.4), dbSNP rs775278280, ClinGen allele CA6411550.